The following is an entry in ClinVar:

NM_001353921.2(ARHGEF9):c.1448A>G (p.Asn483Ser)

Gene: ARHGEF9 (Cdc42 guanine nucleotide exchange factor 9; minus strand). Cytogenetic location: Xq11.1.
Variant type: single nucleotide variant.
Coding change: c.1448A>G on transcript NM_001353921.2 (MANE Select); coding-DNA position 1448, A replaced by G.
Protein change: p.Asn483Ser; replaces asparagine 483 with serine.
Molecular consequence: missense variant. On other transcripts: 3 prime UTR variant (2).
Genome position (GRCh38, 1-based): chrX:63,638,152, T>C on the plus strand (A>G on the coding strand, the complement: ARHGEF9 is on the minus strand). VCF-style: chrX-63638152-T-C. GRCh37 (hg19) VCF-style: chrX-62858032-T-C.
Other names: c.1268A>G, p.Asn423Ser (NM_001173479.2); c.1121A>G, p.Asn374Ser (NM_001173480.2, NM_001369042.1); c.1364A>G, p.Asn455Ser (NM_001330495.2, NM_001369033.1, NM_001369034.1 and 4 more transcripts); c.1316A>G, p.Asn439Ser (NM_001353922.2); c.1466A>G, p.Asn489Ser (NM_001353923.1); c.1247A>G, p.Asn416Ser (NM_001353924.2, NM_001353926.2, NM_001369039.1 and 1 more transcripts); c.1232A>G, p.Asn411Ser (NM_001353927.2, NM_001369041.1); c.1295A>G, p.Asn432Ser (NM_001353928.2); and 3 more; short protein forms N294S, N374S, N439S, N455S, N489S, N416S, N432S, N483S.
Identifiers: ClinVar variation 1519896 (VCV001519896.7), dbSNP rs2147114604, ClinGen allele CA413401211.

ClinVar aggregate classification (germline): Uncertain significance. Review status: criteria provided, multiple submitters, no conflicts (2 of 4 stars). 2 submissions from 2 submitters: Uncertain significance (2). Last evaluated 2023-05-20.

Conditions:
Developmental and epileptic encephalopathy, 8 (DEE8). Also called: HYPEREKPLEXIA AND EPILEPSY. Identifiers: Orphanet 163985, Orphanet 2076, MedGen C1845102, MONDO:0010375, OMIM 300607.

Allele frequency attached by ClinVar (database versions not stated): gnomAD exomes below 0.00001.
gnomAD v4.1: 1 of 1,201,832 alleles (0.000083%); highest among the groups gnomAD compares: Non-Finnish European, 0.00011%; no homozygotes.

Submissions (2):

Neuberg Centre For Genomic Medicine, NCGM
Classification: Uncertain significance for Developmental and epileptic encephalopathy, 8. Last evaluated: 2023-05-20. Review status: criteria provided, single submitter. Criteria: ACMG Guidelines, 2015. Collection method: clinical testing. Allele origin: germline. Inheritance: X-linked recessive inheritance. Affected: yes.
Comment: The missense variant c.1448A>G (p.Asn483Ser) in the ARHGEF9 gene has not been reported previously as a pathogenic variant nor as a benign variant, to our knowledge. The variant is absent in the gnomAD Exomes. This variant has been reported to the ClinVar database as Uncertain Significance. However, no details are available for independent assessment. The amino acid Asparagine at position 483 is changed to a Serine changing protein sequence and it might alter its composition and physico- chemical properties. Computational evidence (Polyphen, SIFT and MutationTaster) predicts conflicting evidence on protein structure and function for this variant. The amino acid change p.Asn483Ser in ARHGEF9 is predicted as conserved by GERP++ and PhyloP across 100 vertebrates. For these reasons, this variant has been classified as Uncertain Significance.

Labcorp Genetics (formerly Invitae), Labcorp
Classification: Uncertain significance for Developmental and epileptic encephalopathy, 8. Last evaluated: 2021-07-30. Review status: criteria provided, single submitter. Criteria: Invitae Variant Classification Sherloc (09022015). Collection method: clinical testing. Allele origin: germline.
Comment: In summary, the available evidence is currently insufficient to determine the role of this variant in disease. Therefore, it has been classified as a Variant of Uncertain Significance. Algorithms developed to predict the effect of missense changes on protein structure and function output the following: SIFT: "Tolerated"; PolyPhen-2: "Benign"; Align-GVGD: "Class C0". The serine amino acid residue is found in multiple mammalian species, which suggests that this missense change does not adversely affect protein function. This variant has not been reported in the literature in individuals affected with ARHGEF9-related conditions. This variant is not present in population databases (ExAC no frequency). This sequence change replaces asparagine with serine at codon 476 of the ARHGEF9 protein (p.Asn476Ser). The asparagine residue is moderately conserved and there is a small physicochemical difference between asparagine and serine.